The following is an entry in ClinVar:

ClinVar aggregate classification (germline): Uncertain significance (1 of 4 stars; one submission).

gnomAD v4.1: 12 of 1,548,548 alleles (0.00077%); highest among the groups gnomAD compares: Admixed American, 0.014%; no homozygotes.

Submission:

Labcorp Genetics (formerly Invitae), Labcorp
Classification: Uncertain significance. Last evaluated: 2022-06-13. Review status: criteria provided, single submitter. Criteria: Invitae Variant Classification Sherloc (09022015). Collection method: clinical testing. Allele origin: germline.
Comment: In summary, the available evidence is currently insufficient to determine the role of this variant in disease. Therefore, it has been classified as a Variant of Uncertain Significance. Algorithms developed to predict the effect of missense changes on protein structure and function are either unavailable or do not agree on the potential impact of this missense change (SIFT: "Tolerated"; PolyPhen-2: "Probably Damaging"; Align-GVGD: "Class C0"). This variant has not been reported in the literature in individuals affected with OBSL1-related conditions. This variant is present in population databases (no rsID available, gnomAD 0.008%). This sequence change replaces leucine, which is neutral and non-polar, with arginine, which is basic and polar, at codon 1317 of the OBSL1 protein (p.Leu1317Arg).

NM_015311.3(OBSL1):c.3950T>G (p.Leu1317Arg)

Gene: OBSL1 (obscurin like cytoskeletal adaptor 1; minus strand). Cytogenetic location: 2q35.
Variant type: single nucleotide variant.
Coding change: c.3950T>G on transcript NM_015311.3 (MANE Select); coding-DNA position 3950, T replaced by G.
Protein change: p.Leu1317Arg; replaces leucine 1317 with arginine.
Molecular consequence: missense variant.
Genome position (GRCh38, 1-based): chr2:219,557,459, A>C on the plus strand (T>G on the coding strand, the complement: OBSL1 is on the minus strand). VCF-style: chr2-219557459-A-C. GRCh37 (hg19) VCF-style: chr2-220422181-A-C.
Other names: c.3950T>G, p.Leu1317Arg (NM_001173431.2); short protein forms L1317R.
Identifiers: ClinVar variation 2084748 (VCV002084748.2), dbSNP rs115283876, ClinGen allele CA350732957.